The following is an entry in ClinVar:

NM_144997.7(FLCN):c.302A>G (p.Glu101Gly)

Gene: FLCN (folliculin; minus strand). Cytogenetic location: 17p11.2.
Variant type: single nucleotide variant.
Coding change: c.302A>G on transcript NM_144997.7 (MANE Select); coding-DNA position 302, A replaced by G.
Protein change: p.Glu101Gly; replaces glutamic acid 101 with glycine.
Molecular consequence: missense variant.
Genome position (GRCh38, 1-based): chr17:17,226,270, T>C on the plus strand (A>G on the coding strand, the complement: FLCN is on the minus strand). VCF-style: chr17-17226270-T-C. GRCh37 (hg19) VCF-style: chr17-17129584-T-C.
Other names: c.302A>G, p.Glu101Gly (NM_001353229.2, NM_001353230.2, NM_001353231.2 and 1 more transcripts); short protein forms E101G.
Identifiers: ClinVar variation 858171 (VCV000858171.8), dbSNP rs958255980, ClinGen allele CA288319040.
Genomic context (GRCh38, chr17:17,226,270, plus strand): 5'-ACAATGCTGAAGAGCTGGGGGTGGCTGGGGTGCTGGTGGCTGACGTATTTAATGGAGGTC[T>C]CTTTATCATGGCTGATATATCCCGGGTGCCCTGCAGCAAGTGACCGGCAGCCCTGTCCAT-3'
Protein context (NP_659434.2, residues 91-111): GHPGYISHDK[Glu101Gly]TSIKYVSHQH

ClinVar aggregate classification (germline): Uncertain significance. Review status: criteria provided, multiple submitters, no conflicts (2 of 4 stars). 2 submissions from 2 submitters: Uncertain significance (2). Last evaluated 2025-10-13.

Conditions:
Birt-Hogg-Dube syndrome. Also called: Birt Hogg Dubé syndrome. Identifiers: Orphanet 122, MedGen C0346010, MONDO:0800444.
Hereditary cancer-predisposing syndrome. Also called: Hereditary neoplastic syndrome; Tumor predisposition; Neoplastic Syndromes, Hereditary; Hereditary Cancer Syndrome. Identifiers: Orphanet 140162, MedGen C0027672, MeSH D009386, MONDO:0015356.

gnomAD v4.1: 4 of 1,614,176 alleles (0.00025%); highest among the groups gnomAD compares: Admixed American, 0.0017%; no homozygotes.

Submissions (2):

Labcorp Genetics (formerly Invitae), Labcorp
Classification: Uncertain significance for Birt-Hogg-Dube syndrome. Last evaluated: 2025-10-13. Review status: criteria provided, single submitter. Criteria: Invitae Variant Classification Sherloc (09022015). Collection method: clinical testing. Allele origin: germline.
Comment: This sequence change replaces glutamic acid, which is acidic and polar, with glycine, which is neutral and non-polar, at codon 101 of the FLCN protein (p.Glu101Gly). This variant is not present in population databases (gnomAD no frequency). This variant has not been reported in the literature in individuals affected with FLCN-related conditions. ClinVar contains an entry for this variant (Variation ID: 858171). Invitae Evidence Modeling of protein sequence and biophysical properties (such as structural, functional, and spatial information, amino acid conservation, physicochemical variation, residue mobility, and thermodynamic stability) indicates that this missense variant is not expected to disrupt FLCN protein function with a negative predictive value of 80%. In summary, the available evidence is currently insufficient to determine the role of this variant in disease. Therefore, it has been classified as a Variant of Uncertain Significance.

Ambry Genetics
Classification: Uncertain significance for Hereditary cancer-predisposing syndrome. Last evaluated: 2024-02-16. Review status: criteria provided, single submitter. Criteria: Ambry Variant Classification Scheme 2023. Collection method: clinical testing. Allele origin: germline.
Comment: The p.E101G variant (also known as c.302A>G), located in coding exon 2 of the FLCN gene, results from an A to G substitution at nucleotide position 302. The glutamic acid at codon 101 is replaced by glycine, an amino acid with similar properties. This amino acid position is highly conserved in available vertebrate species. In addition, this alteration is predicted to be deleterious by in silico analysis. Since supporting evidence is limited at this time, the clinical significance of this alteration remains unclear.